The following is an entry in ClinVar:

ClinVar aggregate classification (germline): Benign/Likely benign. Review status: criteria provided, multiple submitters, no conflicts (2 of 4 stars). 3 submissions from 3 submitters: Benign (1); Likely benign (2). Last evaluated 2026-09-29.

Conditions:
Neurofibromatosis, type 1 (NF1). Also called: NEUROFIBROMATOSIS, TYPE I, SOMATIC; Neurofibromatosis, type I; VON RECKLINGHAUSEN DISEASE; Peripheral type neurofibromatosis. Identifiers: Orphanet 636, MedGen C0027831, MONDO:0018975, OMIM 162200. Disease mechanism: loss of function.
Cardiovascular phenotype. Identifiers: MedGen CN230736.
Hereditary cancer-predisposing syndrome. Also called: Neoplastic Syndromes, Hereditary; Tumor predisposition; Hereditary Cancer Syndrome; Hereditary neoplastic syndrome. Identifiers: Orphanet 140162, MedGen C0027672, MeSH D009386, MONDO:0015356.

Submissions (3):

Myriad Genetics, Inc.
Classification: Benign for Neurofibromatosis, type 1. Last evaluated: 2026-09-29. Review status: criteria provided, single submitter. Criteria: Myriad Autosomal Dominant, Autosomal Recessive and X-Linked Classification Criteria (2023). Collection method: clinical testing. Allele origin: unknown.
Comment: This variant is considered benign. This variant is a silent/synonymous amino acid change and it is not expected to impact splicing.

Ambry Genetics
Classification: Likely benign for Cardiovascular phenotype; Hereditary cancer-predisposing syndrome. Last evaluated: 2025-01-06. Review status: criteria provided, single submitter. Criteria: Ambry Variant Classification Scheme 2023. Collection method: clinical testing. Allele origin: germline.

Labcorp Genetics (formerly Invitae), Labcorp
Classification: Likely benign for Neurofibromatosis, type 1. Last evaluated: 2021-04-27. Review status: criteria provided, single submitter. Criteria: Invitae Variant Classification Sherloc (09022015). Collection method: clinical testing. Allele origin: germline.

NM_001042492.3(NF1):c.6471A>T (p.Ser2157=)

Gene: NF1 (neurofibromin 1; plus strand). Cytogenetic location: 17q11.2.
Variant type: single nucleotide variant.
Coding change: c.6471A>T on transcript NM_001042492.3 (MANE Select); coding-DNA position 6471, A replaced by T.
Protein change: p.Ser2157=; no amino-acid change (serine 2157 retained).
Molecular consequence: synonymous variant.
Genome position (GRCh38, 1-based): chr17:31,337,411, A>T. VCF-style: chr17-31337411-A-T. GRCh37 (hg19) VCF-style: chr17-29664429-A-T.
Other names: c.6408A>T, p.Ser2136= (NM_000267.4).
Identifiers: ClinVar variation 1554686 (VCV001554686.10), dbSNP rs2151556082, ClinGen allele CA499234036.